The following is an entry in ClinVar:

NM_000432.4(MYL2):c.305C>T (p.Ala102Val)

Gene: MYL2 (myosin light chain 2; minus strand). Cytogenetic location: 12q24.11.
Variant type: single nucleotide variant.
Coding change: c.305C>T on transcript NM_000432.4 (MANE Select); coding-DNA position 305, C replaced by T.
Protein change: p.Ala102Val; replaces alanine 102 with valine.
Molecular consequence: missense variant.
Genome position (GRCh38, 1-based): chr12:110,913,294, G>A on the plus strand (C>T on the coding strand, the complement: MYL2 is on the minus strand). VCF-style: chr12-110913294-G-A. GRCh37 (hg19) VCF-style: chr12-111351098-G-A.
Other names: short protein forms A102V.
Identifiers: ClinVar variation 854824 (VCV000854824.12), dbSNP rs2071666913, ClinGen allele CA386698053.

ClinVar aggregate classification (germline): Uncertain significance. Review status: criteria provided, multiple submitters, no conflicts (2 of 4 stars). 2 submissions from 2 submitters: Uncertain significance (2). Last evaluated 2021-02-24.

Conditions:
Cardiovascular phenotype. Identifiers: MedGen CN230736.
Hypertrophic cardiomyopathy 10. Also called: CARDIOMYOPATHY, HYPERTROPHIC, MID-LEFT VENTRICULAR CHAMBER TYPE, 2; MYL2-Related Familial Hypertrophic Cardiomyopathy. Identifiers: MedGen C1834460, MONDO:0012112, OMIM 608758.

Allele frequency attached by ClinVar (database versions not stated): gnomAD exomes below 0.00001.
gnomAD v4.1: 1 of 1,614,202 alleles (0.000062%); highest among the groups gnomAD compares: South Asian, 0.0011%; no homozygotes.

Submissions (2):

Ambry Genetics
Classification: Uncertain significance for Cardiovascular phenotype. Last evaluated: 2021-02-24. Review status: criteria provided, single submitter. Criteria: Ambry Variant Classification Scheme 2023. Collection method: clinical testing. Allele origin: germline.
Comment: The p.A102V variant (also known as c.305C>T), located in coding exon 5 of the MYL2 gene, results from a C to T substitution at nucleotide position 305. The alanine at codon 102 is replaced by valine, an amino acid with similar properties. This amino acid position is highly conserved in available vertebrate species. In addition, this alteration is predicted to be deleterious by in silico analysis. Since supporting evidence is limited at this time, the clinical significance of this alteration remains unclear.

Labcorp Genetics (formerly Invitae), Labcorp
Classification: Uncertain significance for Hypertrophic cardiomyopathy 10. Last evaluated: 2019-02-22. Review status: criteria provided, single submitter. Criteria: Invitae Variant Classification Sherloc (09022015). Collection method: clinical testing. Allele origin: germline.
Comment: In summary, the available evidence is currently insufficient to determine the role of this variant in disease. Therefore, it has been classified as a Variant of Uncertain Significance. This variant has not been reported in the literature in individuals with MYL2-related conditions. Algorithms developed to predict the effect of missense changes on protein structure and function (SIFT, PolyPhen-2, Align-GVGD) all suggest that this variant is likely to be disruptive, but these predictions have not been confirmed by published functional studies and their clinical significance is uncertain. This sequence change replaces alanine with valine at codon 102 of the MYL2 protein (p.Ala102Val). The alanine residue is highly conserved and there is a small physicochemical difference between alanine and valine. This variant is not present in population databases (ExAC no frequency).